The following is an entry in ClinVar:

NC_000010.11:g.(?_86912230)_(86917336_?)del

Gene: BMPR1A (bone morphogenetic protein receptor type 1A; plus strand). Cytogenetic location: 10q23.2.
Variant type: Deletion.
Identifiers: ClinVar variation 584294 (VCV000584294.7).

ClinVar aggregate classification (germline): Pathogenic. Review status: criteria provided, single submitter (1 of 4 stars). 2 submissions from 1 submitter: Pathogenic (2). Last evaluated 2018-06-28.

Conditions:
Juvenile polyposis syndrome (JPS). Identifiers: Orphanet 2929, MedGen C0345893, MONDO:0017380, OMIM 174900.
Generalized juvenile polyposis/juvenile polyposis coli. Also called: Juvenile polyposis coli. Identifiers: Orphanet 329971, MedGen C1868081, MONDO:0008276.

Submissions (2):

Labcorp Genetics (formerly Invitae), Labcorp
Classification: Pathogenic for Juvenile polyposis syndrome. Last evaluated: 2018-06-28. Review status: criteria provided, single submitter. Criteria: Invitae Variant Classification Sherloc (09022015). Collection method: clinical testing. Allele origin: germline.
Comment: This variant is an out-of-frame deletion of the genomic region encompassing exons 8-9 of the BMPR1A gene. This is expected to create a premature translational stop signal and result in an absent or disrupted protein product. This variant has not been reported in the literature in individuals with BMPR1A-related disease. Loss-of-function variants in BMPR1A are known to be pathogenic (PMID: 11536076, 12417513). For these reasons, this variant has been classified as Pathogenic.

Labcorp Genetics (formerly Invitae), Labcorp
Classification: Pathogenic for Juvenile polyposis syndrome. Last evaluated: 2018-06-23. Review status: criteria provided, single submitter. Criteria: Invitae Variant Classification Sherloc (09022015). Collection method: clinical testing. Allele origin: germline.
Comment: For these reasons, this variant has been classified as Pathogenic. Loss-of-function variants in BMPR1A are known to be pathogenic (PMID: 11536076, 12417513). This variant has not been reported in the literature in individuals with BMPR1A-related disease. This variant is an out-of-frame deletion of the genomic region encompassing exons 8-9 of the BMPR1A gene. This is expected to create a premature translational stop signal and result in an absent or disrupted protein product.

Literature cited by the submitters: PubMed 11536076; PubMed 12417513.